The following is an entry in ClinVar:

ClinVar aggregate classification (germline): Benign/Likely benign. Review status: criteria provided, multiple submitters, no conflicts (2 of 4 stars). 2 submissions from 2 submitters: Benign (1); Likely benign (1). Last evaluated 2025-09-18.

Allele frequency attached by ClinVar (database versions not stated): gnomAD 0.00004 and 0.00024; TOPMed 0.00006; gnomAD exomes 0.00030 and 0.00056; ExAC 0.00062; 1000 Genomes Project 30x 0.00172; 1000 Genomes Project 0.00220.
gnomAD v4.1: 475 of 1,614,118 alleles (0.029%); highest among the groups gnomAD compares: South Asian, 0.47%; 6 homozygotes.

Submissions (2):

Labcorp Genetics (formerly Invitae), Labcorp
Classification: Benign. Last evaluated: 2025-09-18. Review status: criteria provided, single submitter. Criteria: Invitae Variant Classification Sherloc (09022015). Collection method: clinical testing. Allele origin: germline.

CeGaT Center for Human Genetics Tuebingen
Classification: Likely benign. Last evaluated: 2022-12-01. Review status: criteria provided, single submitter. Criteria: CeGaT Center For Human Genetics Tuebingen Variant Classification Criteria Version 2. Collection method: clinical testing. Allele origin: germline. Affected: yes. Observed: 1 variant allele.
Comment: WDR11: BP4, BP7

NM_018117.12(WDR11):c.1371G>A (p.Thr457=)

Gene: WDR11 (WD repeat domain 11; plus strand). Cytogenetic location: 10q26.12.
Variant type: single nucleotide variant.
Coding change: c.1371G>A on transcript NM_018117.12 (MANE Select); coding-DNA position 1371, G replaced by A.
Protein change: p.Thr457=; no amino-acid change (threonine 457 retained).
Molecular consequence: synonymous variant.
Genome position (GRCh38, 1-based): chr10:120,871,246, G>A. VCF-style: chr10-120871246-G-A. GRCh37 (hg19) VCF-style: chr10-122630758-G-A.
Identifiers: ClinVar variation 704418 (VCV000704418.31), dbSNP rs551973326, ClinGen allele CA5719706.